The following is an entry in ClinVar:

ClinVar aggregate classification (germline): Pathogenic. Review status: reviewed by expert panel (3 of 4 stars). 11 submissions from 11 submitters: Pathogenic (1). 10 of the submissions do not count toward it. Last evaluated 2016-09-08.

Conditions:
Hereditary cancer-predisposing syndrome. Also called: Tumor predisposition; Neoplastic Syndromes, Hereditary; Hereditary Cancer Syndrome; Hereditary neoplastic syndrome. Identifiers: Orphanet 140162, MedGen C0027672, MeSH D009386, MONDO:0015356.
Hereditary breast ovarian cancer syndrome. Also called: Hereditary breast and ovarian cancer syndrome (HBOC); Hereditary breast and ovarian cancer syndrome; Hereditary breast and ovarian cancer; Hereditary breast and/or ovarian cancer syndrome; Breast and ovarian cancer; BRCA1- and BRCA2-Associated Hereditary Breast and Ovarian Cancer. Identifiers: Orphanet 145, MedGen C0677776, MeSH D061325, MONDO:0003582. Disease mechanism: loss of function.
Breast-ovarian cancer, familial, susceptibility to, 1 (BROVCA1). Also called: OVARIAN CANCER, SUSCEPTIBILITY TO; BRCA1 Hereditary Breast and Ovarian Cancer. Identifiers: Orphanet 145, MedGen C2676676, MONDO:0011450, OMIM 604370. Disease mechanism: loss of function.

Submissions (11):

Evidence-based Network for the Interpretation of Germline Mutant Alleles (ENIGMA)
Classification: Pathogenic for Breast-ovarian cancer, familial, susceptibility to, 1. Last evaluated: 2016-09-08. Review status: reviewed by expert panel. Criteria: ENIGMA BRCA1/2 Classification Criteria (2015). Collection method: curation. Allele origin: germline.
Comment: Variant allele predicted to encode a truncated non-functional protein.

Dasa
Classification: Pathogenic for Breast-ovarian cancer, familial, susceptibility to, 1. Last evaluated: 2026-03-26. Review status: criteria provided, single submitter. Criteria: DASA Assertion Criteria. Collection method: clinical testing. Allele origin: germline. Not counted in ClinVar's aggregate classification.
Comment: NM_007294.4(BRCA1):c.2215A>T (p.Lys739*) introduces a premature termination codon predicted to result in loss of normal protein function. Loss-of-function is an established mechanism of disease for this gene. The variant is present at low frequency in population datasets. Based on the available data, this variant is classified as pathogenic.

Labcorp Genetics (formerly Invitae), Labcorp
Classification: Pathogenic for Hereditary breast ovarian cancer syndrome. Last evaluated: 2025-09-22. Review status: criteria provided, single submitter. Criteria: Invitae Variant Classification Sherloc (09022015). Collection method: clinical testing. Allele origin: germline. Not counted in ClinVar's aggregate classification.
Comment: This sequence change creates a premature translational stop signal (p.Lys739*) in the BRCA1 gene. It is expected to result in an absent or disrupted protein product. Loss-of-function variants in BRCA1 are known to be pathogenic (PMID: 20104584). This variant is not present in population databases (gnomAD no frequency). This premature translational stop signal has been observed in individual(s) with ovarian cancer or undergoing testing for hereditary breast and/or ovarian cancer (PMID: 21520333, 27914478, 29446198, 30078507). ClinVar contains an entry for this variant (Variation ID: 54503). For these reasons, this variant has been classified as Pathogenic.

All of Us Research Program, National Institutes of Health
Classification: Pathogenic for Breast-ovarian cancer, familial, susceptibility to, 1. Last evaluated: 2023-10-23. Review status: criteria provided, single submitter. Criteria: ACMG Guidelines, 2015. Collection method: clinical testing. Allele origin: germline. Inheritance: Autosomal dominant inheritance. Observed: 1 variant allele, 1 heterozygote. Not counted in ClinVar's aggregate classification.
Comment: This variant changes 1 nucleotide in exon 10 of the BRCA1 gene, creating a premature translation stop signal. This variant is expected to result in an absent or non-functional protein product. This variant has been reported in individuals with a personal or family history of breast and/or ovarian cancer (PMID: 27914478, 29446198, 30078507, 31954625, 33858678). This variant has not been identified in the general population by the Genome Aggregation Database (gnomAD). Loss of BRCA1 function is a known mechanism of disease. Based on the available evidence, this variant is classified as Pathogenic.

This study involves interpretation of variants in research participants for the purpose of population health screening. Participant phenotype was not available at the time of variant classification. Additional details can be found in publication PMID: 35346344, PMCID: PMC8962531

Color Diagnostics, LLC DBA Color Health
Classification: Pathogenic for Hereditary cancer-predisposing syndrome. Last evaluated: 2023-09-06. Review status: criteria provided, single submitter. Criteria: ACMG Guidelines, 2015. Collection method: clinical testing. Allele origin: germline. Not counted in ClinVar's aggregate classification.
Comment: This variant changes 1 nucleotide in exon 10 of the BRCA1 gene, creating a premature translation stop signal. This variant is expected to result in an absent or non-functional protein product. This variant has been reported in individuals with a personal or family history of breast and/or ovarian cancer (PMID: 27914478, 29446198, 30078507, 31954625, 33858678). This variant has not been identified in the general population by the Genome Aggregation Database (gnomAD). Loss of BRCA1 function is a known mechanism of disease. Based on the available evidence, this variant is classified as Pathogenic.

Ambry Genetics
Classification: Pathogenic for Hereditary cancer-predisposing syndrome. Last evaluated: 2022-09-26. Review status: criteria provided, single submitter. Criteria: Ambry Variant Classification Scheme 2023. Collection method: clinical testing. Allele origin: germline. Not counted in ClinVar's aggregate classification.
Comment: The p.K739* pathogenic mutation (also known as c.2215A>T), located in coding exon 9 of the BRCA1 gene, results from an A to T substitution at nucleotide position 2215. This changes the amino acid from a lysine to a stop codon within coding exon 9. This alteration has been detected in multiple individuals with breast and/or ovarian cancer (Maistro et al. BMC Cancer 2016 12;16(1):934.; Li et al. Gynecol. Oncol. 2018 10;151(1):145-152; Rebbeck et al. Hum. Mutat. 2018 05;39(5):593-620). In addition to the clinical data presented in the literature, this alteration is expected to result in loss of function by premature protein truncation or nonsense-mediated mRNA decay. As such, this alteration is interpreted as a disease-causing mutation.

Laboratorio de Genetica e Diagnostico Molecular, Hospital Israelita Albert Einstein
Classification: Pathogenic for Breast-ovarian cancer, familial, susceptibility to, 1. Last evaluated: 2021-06-01. Review status: criteria provided, single submitter. Criteria: ACMG Guidelines, 2015. Collection method: clinical testing. Allele origin: germline. Affected: yes. Not counted in ClinVar's aggregate classification.
Comment: ACMG classification criteria: PVS1 very strong, PS4 strong, PM2 moderate

Quest Diagnostics Nichols Institute San Juan Capistrano
Classification: Pathogenic for Breast-ovarian cancer, familial, susceptibility to, 1. Last evaluated: 2015-12-05. Review status: criteria provided, single submitter. Criteria: Quest Diagnostics criteria. Collection method: clinical testing. Allele origin: germline. Inheritance: Autosomal dominant inheritance. Not counted in ClinVar's aggregate classification.

Consortium of Investigators of Modifiers of BRCA1/2 (CIMBA), c/o University of Cambridge
Classification: Pathogenic for Breast-ovarian cancer, familial, susceptibility to, 1. Last evaluated: 2015-10-02. Review status: criteria provided, single submitter. Criteria: CIMBA Mutation Classification guidelines May 2016. Collection method: clinical testing. Allele origin: germline. Not counted in ClinVar's aggregate classification.

Research Molecular Genetics Laboratory, Women's College Hospital, University of Toronto
Classification: Pathogenic for Hereditary breast ovarian cancer syndrome. Last evaluated: 2014-01-31. Review status: no assertion criteria provided. Collection method: research. Allele origin: germline. Affected: yes. Study: The Canadian Open Genetics Repository (COGR). Not counted in ClinVar's aggregate classification.

Breast Cancer Information Core (BIC) (BRCA1)
Classification: Pathogenic for Breast-ovarian cancer, familial 1. Last evaluated: 2002-05-29. Review status: no assertion criteria provided. Collection method: clinical testing. Allele origin: germline. Affected: yes. Observed: 3 variant alleles. Not counted in ClinVar's aggregate classification.

Literature cited by the submitters: PubMed 20104584 (cited by Labcorp Genetics (formerly Invitae), Labcorp); PubMed 21520333 (cited by Labcorp Genetics (formerly Invitae), Labcorp); PubMed 27914478 (cited by 3 submitters); PubMed 29446198 (cited by 3 submitters); PubMed 30078507 (cited by 3 submitters); PubMed 31954625 (cited by All of Us Research Program, National Institutes of Health and Color Diagnostics, LLC DBA Color Health); PubMed 33858678 (cited by All of Us Research Program, National Institutes of Health and Color Diagnostics, LLC DBA Color Health); PubMed 26295337 (cited by Quest Diagnostics Nichols Institute San Juan Capistrano).

NM_007294.4(BRCA1):c.2215A>T (p.Lys739Ter)

Gene: BRCA1 (BRCA1 DNA repair associated; minus strand). Cytogenetic location: 17q21.31.
Variant type: single nucleotide variant.
Coding change: c.2215A>T on transcript NM_007294.4 (MANE Select); coding-DNA position 2215, A replaced by T.
Protein change: p.Lys739Ter; replaces lysine 739 with a stop codon.
Molecular consequence: nonsense. On other transcripts: intron variant (137).
Genome position (GRCh38, 1-based): chr17:43,093,316, T>A on the plus strand (A>T on the coding strand, the complement: BRCA1 is on the minus strand). VCF-style: chr17-43093316-T-A. GRCh37 (hg19) VCF-style: chr17-41245333-T-A.
Other names: c.2002A>T, p.Lys668Ter (NM_001407571.1, NM_001407853.1, NM_001407894.1 and 9 more transcripts); c.2215A>T, p.Lys739Ter (NM_001407581.1, NM_001407582.1, NM_001407583.1 and 30 more transcripts); c.2212A>T, p.Lys738Ter (NM_001407587.1, NM_001407590.1, NM_001407591.1 and 22 more transcripts); c.2206A>T, p.Lys736Ter (NM_001407646.1, NM_001407647.1); c.2092A>T, p.Lys698Ter (NM_001407648.1, NM_001407664.1, NM_001407665.1 and 19 more transcripts); c.2089A>T, p.Lys697Ter (NM_001407649.1, NM_001407670.1, NM_001407671.1 and 11 more transcripts); c.2137A>T, p.Lys713Ter (NM_001407653.1, NM_001407654.1, NM_001407655.1 and 4 more transcripts); c.2134A>T, p.Lys712Ter (NM_001407659.1, NM_001407660.1, NM_001407661.1 and 1 more transcripts); and 41 more; short protein forms K739*, K692*, K571*, K611*, K669*, K672*, K736*, K628*.
Identifiers: ClinVar variation 54503 (VCV000054503.27), dbSNP rs56329598, ClinGen allele CA001484.